The following is an entry in ClinVar:

ClinVar aggregate classification (germline): Pathogenic (1 of 4 stars; one submission).

Submission:

Labcorp Genetics (formerly Invitae), Labcorp
Classification: Pathogenic. Last evaluated: 2024-04-22. Review status: criteria provided, single submitter. Criteria: Invitae Variant Classification Sherloc (09022015). Collection method: clinical testing. Allele origin: germline.
Comment: This sequence change creates a premature translational stop signal (p.Gln112Thrfs*8) in the VPS13C gene. It is expected to result in an absent or disrupted protein product. Loss-of-function variants in VPS13C are known to be pathogenic (PMID: 26942284, 34875562). This variant is not present in population databases (gnomAD no frequency). This premature translational stop signal has been observed in individual(s) with clinical features of Parkinson disease (Invitae). ClinVar contains an entry for this variant (Variation ID: 2039083). For these reasons, this variant has been classified as Pathogenic.

Literature cited by the submitters: PubMed 26942284; PubMed 34875562.

NM_020821.3(VPS13C):c.333dup (p.Gln112fs)

Gene: VPS13C (vacuolar protein sorting 13 homolog C; minus strand). Cytogenetic location: 15q22.2.
Variant type: Duplication.
Coding change: c.333dup on transcript NM_020821.3 (MANE Select); coding-DNA position 333, one base duplicated (A; older notation c.333dupA).
Protein change: p.Gln112fs; shifts the reading frame from glutamine 112.
Molecular consequence: frameshift variant.
Genome position (GRCh38, 1-based): chr15:62,033,493, T duplicated on the plus strand (A on the coding strand, the reverse complement: VPS13C is on the minus strand); the first of 3 consecutive T bases (chr15:62,033,493-62,033,495); duplicating any one gives the same sequence. VCF-style (leftmost placement, unchanged base first): chr15-62033492-G-GT. GRCh37 (hg19) VCF-style: chr15-62325691-G-GT.
Other names: c.333dup, p.Gln112fs (NM_001018088.3, NM_017684.5, NM_018080.4); short protein forms Q112fs.
Identifiers: ClinVar variation 2039083 (VCV002039083.4), dbSNP rs2541910203, ClinGen allele CA2580089836.